The following is an entry in ClinVar:

NM_015335.5(MED13L):c.5459_5460delinsTA (p.Ser1820Ile)

Gene: MED13L (mediator complex subunit 13L; minus strand). Cytogenetic location: 12q24.21.
Variant type: Indel.
Coding change: c.5459_5460delinsTA on transcript NM_015335.5 (MANE Select); coding-DNA positions 5459 to 5460, GC replaced by TA.
Protein change: p.Ser1820Ile; replaces serine 1820 with isoleucine.
Molecular consequence: missense variant.
Genome position (GRCh38, 1-based): chr12:115,975,643-115,975,644, GC replaced by TA on the plus strand (GC replaced by TA on the coding strand, the reverse complement: MED13L is on the minus strand). VCF-style: chr12-115975643-GC-TA. GRCh37 (hg19) VCF-style: chr12-116413448-GC-TA.
Other names: short protein forms S1820I.
Identifiers: ClinVar variation 1306069 (VCV001306069.2), dbSNP rs2137243699, ClinGen allele CA2573053603.
Genomic context (GRCh38, chr12:115,975,643, plus strand): 5'-CAAAAGCCAGCGCTGGTCGTGAGACAGACAATAGCCCACGAAGAGCACATTGTATTTCTG[GC>TA]TCGCCTCACCAAACGTCTCTCCCAGCTCTGTCTGCTTGTCTTTGATTGGGGCCAATATAA-3'
Protein context (NP_056150.1, residues 1810-1830): TELGETFGEA[Ser1820Ile]QKYNVLFVGY

ClinVar aggregate classification (germline): Uncertain significance (1 of 4 stars; one submission).

Submission:

GeneDx
Classification: Uncertain significance. Last evaluated: 2019-05-17. Review status: criteria provided, single submitter. Criteria: GeneDx Variant Classification Process June 2021. Collection method: clinical testing. Allele origin: germline. Affected: yes.
Comment: Not observed in large population cohorts (Lek et al., 2016); In silico analysis, which includes protein predictors and evolutionary conservation, supports a deleterious effect; Has not been previously published as pathogenic or benign to our knowledge